The following is an entry in ClinVar:

NM_000548.5(TSC2):c.4811G>A (p.Gly1604Asp)

Gene: TSC2 (TSC complex subunit 2; plus strand). Cytogenetic location: 16p13.3.
Variant type: single nucleotide variant.
Coding change: c.4811G>A on transcript NM_000548.5 (MANE Select); coding-DNA position 4811, G replaced by A.
Protein change: p.Gly1604Asp; replaces glycine 1604 with aspartic acid.
Molecular consequence: missense variant. On other transcripts: non-coding transcript variant (5).
Genome position (GRCh38, 1-based): chr16:2,086,341, G>A. VCF-style: chr16-2086341-G-A. GRCh37 (hg19) VCF-style: chr16-2136342-G-A.
Other names: c.4595G>A, p.Gly1532Asp (NM_001406675.1); c.4592G>A, p.Gly1531Asp (NM_001406676.1); c.4553G>A, p.Gly1518Asp (NM_001406677.1); c.4499G>A, p.Gly1500Asp (NM_001406678.1); c.4463G>A, p.Gly1488Asp (NM_001406679.1); c.4211G>A, p.Gly1404Asp (NM_001406680.1); c.4151G>A, p.Gly1384Asp (NM_001406681.1); c.4142G>A, p.Gly1381Asp (NM_001406682.1, NM_001406683.1); and 26 more; short protein forms G1003D, G1089D, G1090D, G1112D, G1113D, G1133D, G1337D, G1338D.
Identifiers: ClinVar variation 3386179 (VCV003386179.1).

ClinVar aggregate classification (germline): Uncertain significance (1 of 4 stars; one submission).

Conditions:
Tuberous sclerosis syndrome (TSC). Also called: Tuberous Sclerosis Complex; Tuberous sclerosis. Identifiers: Orphanet 805, MedGen C0041341, MONDO:0001734.

Submission:

All of Us Research Program, National Institutes of Health
Classification: Uncertain significance for Tuberous sclerosis syndrome. Last evaluated: 2024-07-29. Review status: criteria provided, single submitter. Criteria: ACMG Guidelines, 2015. Collection method: clinical testing. Allele origin: germline. Inheritance: Autosomal dominant inheritance. Observed: 1 variant allele, 1 heterozygote.
Comment: This missense variant replaces glycine with aspartic acid at codon 1604 of the TSC2 protein. Computational prediction suggests that this variant may have deleterious impact on protein structure and function. To our knowledge, functional studies have not been reported for this variant. This variant has not been reported in individuals affected with TSC2-related disorders in the literature. This variant has not been identified in the general population by the Genome Aggregation Database (gnomAD). The available evidence is insufficient to determine the role of this variant in disease conclusively. Therefore, this variant is classified as a Variant of Uncertain Significance.

This study involves interpretation of variants in research participants for the purpose of population health screening. Participant phenotype was not available at the time of variant classification. Additional details can be found in publication PMID: 35346344, PMCID: PMC8962531